The following is an entry in ClinVar:

NM_018706.7(DHTKD1):c.1696G>A (p.Gly566Arg)

Gene: DHTKD1 (dehydrogenase E1 and transketolase domain containing 1; plus strand). Cytogenetic location: 10p14.
Variant type: single nucleotide variant.
Coding change: c.1696G>A on transcript NM_018706.7 (MANE Select); coding-DNA position 1696, G replaced by A.
Protein change: p.Gly566Arg; replaces glycine 566 with arginine.
Molecular consequence: missense variant.
Genome position (GRCh38, 1-based): chr10:12,100,202, G>A. VCF-style: chr10-12100202-G-A. GRCh37 (hg19) VCF-style: chr10-12142201-G-A.
Other names: short protein forms G566R.
Identifiers: ClinVar variation 2228127 (VCV002228127.5), dbSNP rs761966951, ClinGen allele CA5407931.

ClinVar aggregate classification (germline): Uncertain significance. Review status: criteria provided, multiple submitters, no conflicts (2 of 4 stars). 2 submissions from 2 submitters: Uncertain significance (2). Last evaluated 2024-01-04.

Conditions:
Inborn genetic diseases. Identifiers: MedGen C0950123, MeSH D030342.
2-aminoadipic 2-oxoadipic aciduria (AAKAD). Also called: Aminoadipic aciduria; ALPHA-AMINOADIPIC AND ALPHA-KETOADIPIC ACIDURIA. Identifiers: Orphanet 79154, MedGen C1859817, MONDO:0008774, OMIM 204750.

Allele frequency attached by ClinVar (database versions not stated): gnomAD exomes below 0.00001; ExAC 0.00001; gnomAD 0.00001.
gnomAD v4.1: 7 of 1,595,502 alleles (0.00044%); highest among the groups gnomAD compares: African/African-American, 0.0041%; no homozygotes.

Submissions (2):

Labcorp Genetics (formerly Invitae), Labcorp
Classification: Uncertain significance for 2-aminoadipic 2-oxoadipic aciduria. Last evaluated: 2024-01-04. Review status: criteria provided, single submitter. Criteria: Invitae Variant Classification Sherloc (09022015). Collection method: clinical testing. Allele origin: germline.
Comment: This sequence change replaces glycine, which is neutral and non-polar, with arginine, which is basic and polar, at codon 566 of the DHTKD1 protein (p.Gly566Arg). The frequency data for this variant in the population databases is considered unreliable, as metrics indicate poor data quality at this position in the gnomAD database. This variant has not been reported in the literature in individuals affected with DHTKD1-related conditions. ClinVar contains an entry for this variant (Variation ID: 2228127). Advanced modeling of protein sequence and biophysical properties (such as structural, functional, and spatial information, amino acid conservation, physicochemical variation, residue mobility, and thermodynamic stability) performed at Invitae indicates that this missense variant is not expected to disrupt DHTKD1 protein function with a negative predictive value of 80%. In summary, the available evidence is currently insufficient to determine the role of this variant in disease. Therefore, it has been classified as a Variant of Uncertain Significance.

Ambry Genetics
Classification: Uncertain significance for Inborn genetic diseases. Last evaluated: 2020-11-20. Review status: criteria provided, single submitter. Criteria: Ambry Variant Classification Scheme 2023. Collection method: clinical testing. Allele origin: germline.